The following is an entry in ClinVar:

ClinVar aggregate classification (germline): Uncertain significance (1 of 4 stars; one submission).

Conditions:
Pyruvate dehydrogenase E3 deficiency (DLDD). Also called: Lipoamide dehydrogenase deficiency, lactic acidosis due to; Lipoamide dehydrogenase deficiency; MAPLE SYRUP URINE DISEASE, TYPE III; Dihydrolipoamide Dehydrogenase (E3) Deficiency; DLD DEFICIENCY; E3 DEFICIENCY. Identifiers: Orphanet 2394, Orphanet 765, MedGen C5574660, MONDO:0009529, OMIM 246900.

gnomAD v4.1: 1 of 1,613,336 alleles (0.000062%); no homozygotes.

Submission:

Labcorp Genetics (formerly Invitae), Labcorp
Classification: Uncertain significance for Pyruvate dehydrogenase E3 deficiency. Last evaluated: 2022-02-19. Review status: criteria provided, single submitter. Criteria: Invitae Variant Classification Sherloc (09022015). Collection method: clinical testing. Allele origin: germline.
Comment: In summary, the available evidence is currently insufficient to determine the role of this variant in disease. Therefore, it has been classified as a Variant of Uncertain Significance. Algorithms developed to predict the effect of missense changes on protein structure and function are either unavailable or do not agree on the potential impact of this missense change (SIFT: "Deleterious"; PolyPhen-2: "Probably Damaging"; Align-GVGD: "Class C15"). This variant has not been reported in the literature in individuals affected with DLD-related conditions. This variant is not present in population databases (gnomAD no frequency). This sequence change replaces leucine, which is neutral and non-polar, with phenylalanine, which is neutral and non-polar, at codon 322 of the DLD protein (p.Leu322Phe).

NM_000108.5(DLD):c.966G>C (p.Leu322Phe)

Gene: DLD (dihydrolipoamide dehydrogenase; plus strand). Cytogenetic location: 7q31.1.
Variant type: single nucleotide variant.
Coding change: c.966G>C on transcript NM_000108.5 (MANE Select); coding-DNA position 966, G replaced by C.
Protein change: p.Leu322Phe; replaces leucine 322 with phenylalanine.
Molecular consequence: missense variant.
Genome position (GRCh38, 1-based): chr7:107,916,884, G>C. VCF-style: chr7-107916884-G-C. GRCh37 (hg19) VCF-style: chr7-107557329-G-C.
Other names: c.669G>C, p.Leu223Phe (NM_001289750.1); c.897G>C, p.Leu299Phe (NM_001289751.1); c.822G>C, p.Leu274Phe (NM_001289752.1); short protein forms L223F, L274F, L299F, L322F.
Identifiers: ClinVar variation 1966956 (VCV001966956.5), dbSNP rs2535601259, ClinGen allele CA368857692.